The following is an entry in ClinVar:

NM_001113378.2(FANCI):c.196C>T (p.Arg66Cys)

Gene: FANCI (FA complementation group I; plus strand). Cytogenetic location: 15q26.1.
Variant type: single nucleotide variant.
Coding change: c.196C>T on transcript NM_001113378.2 (MANE Select); coding-DNA position 196, C replaced by T.
Protein change: p.Arg66Cys; replaces arginine 66 with cysteine.
Molecular consequence: missense variant. On other transcripts: 5 prime UTR variant (1).
Genome position (GRCh38, 1-based): chr15:89,260,751, C>T. VCF-style: chr15-89260751-C-T. GRCh37 (hg19) VCF-style: chr15-89803982-C-T.
Other names: c.-84C>T (NM_001376910.1); c.196C>T, p.Arg66Cys (NM_001376911.1, NM_018193.3); short protein forms R66C.
Identifiers: ClinVar variation 317258 (VCV000317258.28), dbSNP rs143105092, ClinGen allele CA7722529.

ClinVar aggregate classification (germline): Uncertain significance. Review status: criteria provided, multiple submitters, no conflicts (2 of 4 stars). 4 submissions from 4 submitters: Uncertain significance (4). Last evaluated 2024-07-01.

Conditions:
Fanconi anemia (FA). Also called: Fanconi's anemia. Identifiers: Orphanet 84, MedGen C0015625, MeSH D005199, MONDO:0019391.
Fanconi anemia complementation group I (FANCI). Also called: FANCI-Related Fanconi Anemia. Identifiers: Orphanet 84, MedGen C1836861, MONDO:0012186, OMIM 609053.

Allele frequency attached by ClinVar (database versions not stated): gnomAD 0.00003; TOPMed 0.00003; ESP Exome Variant Server 0.00008.
gnomAD v4.1: 46 of 1,613,744 alleles (0.0029%); highest among the groups gnomAD compares: Middle Eastern, 0.033%; no homozygotes.

Submissions (4):

CeGaT Center for Human Genetics Tuebingen
Classification: Uncertain significance. Last evaluated: 2024-07-01. Review status: criteria provided, single submitter. Criteria: CeGaT Center For Human Genetics Tuebingen Variant Classification Criteria Version 2. Collection method: clinical testing. Allele origin: germline. Affected: yes. Observed: 1 variant allele.
Comment: FANCI: PM2:Supporting, BP4

Labcorp Genetics (formerly Invitae), Labcorp
Classification: Uncertain significance for Fanconi anemia. Last evaluated: 2022-08-21. Review status: criteria provided, single submitter. Criteria: Invitae Variant Classification Sherloc (09022015). Collection method: clinical testing. Allele origin: germline.
Comment: This sequence change replaces arginine, which is basic and polar, with cysteine, which is neutral and slightly polar, at codon 66 of the FANCI protein (p.Arg66Cys). This variant is present in population databases (rs143105092, gnomAD 0.02%). This variant has not been reported in the literature in individuals affected with FANCI-related conditions. ClinVar contains an entry for this variant (Variation ID: 317258). Algorithms developed to predict the effect of missense changes on protein structure and function are either unavailable or do not agree on the potential impact of this missense change (SIFT: "Tolerated"; PolyPhen-2: "Possibly Damaging"; Align-GVGD: "Class C0"). In summary, the available evidence is currently insufficient to determine the role of this variant in disease. Therefore, it has been classified as a Variant of Uncertain Significance.

Fulgent Genetics
Classification: Uncertain significance for Fanconi anemia complementation group I. Last evaluated: 2021-09-11. Review status: criteria provided, single submitter. Criteria: ACMG Guidelines, 2015. Collection method: clinical testing. Allele origin: unknown.

Illumina Laboratory Services, Illumina
Classification: Uncertain significance for Fanconi anemia complementation group I. Last evaluated: 2018-01-13. Review status: criteria provided, single submitter. Criteria: ICSL Variant Classification Criteria 13 December 2019. Collection method: clinical testing. Allele origin: germline.